The following is an entry in ClinVar:

NM_001110219.3(GJB6):c.63del (p.Lys22fs)

Gene: GJB6 (gap junction protein beta 6; minus strand). Cytogenetic location: 13q12.11.
Variant type: Deletion.
Coding change: c.63del on transcript NM_001110219.3 (MANE Select); coding-DNA position 63, one base deleted (G; older notation c.63delG).
Protein change: p.Lys22fs; shifts the reading frame from lysine 22.
Molecular consequence: frameshift variant.
Genome position (GRCh38, 1-based): chr13:20,223,418, C deleted on the plus strand (G on the coding strand, the reverse complement: GJB6 is on the minus strand); the first of 3 consecutive C bases (chr13:20,223,418-20,223,420); deleting any one gives the same sequence. VCF-style (leftmost placement, unchanged base first): chr13-20223417-TC-T. GRCh37 (hg19) VCF-style: chr13-20797556-TC-T.
Other names: c.63del, p.Lys22fs (NM_001110220.3, NM_001110221.3, NM_001370090.1 and 3 more transcripts); short protein forms K22fs.
Identifiers: ClinVar variation 311382 (VCV000311382.21), dbSNP rs770612890, ClinGen allele CA6904516.
Genomic context (GRCh38, chr13:20,223,417, plus strand): 5'-CCTGGGCAGCCACCACGAGGATCATGACTCGGAAAATAAAGATGACTGTGATCCACACCT[TC>T]CCGATGCTGGTGGAGTGTTTGTTGACACCCCCGATGAAAGTGTGCAGCGTCCCCCAATCC-3'

ClinVar aggregate classification (germline): Conflicting classifications of pathogenicity. Review status: criteria provided, conflicting classifications (1 of 4 stars). 7 submissions from 6 submitters: Likely pathogenic (1); Uncertain significance (5). 1 of the submissions does not count toward it. Last evaluated 2026-03-31.

Conditions:
Autosomal recessive nonsyndromic hearing loss 1A (DFNB1A). Also called: Deafness nonsyndromic, Connexin 26 linked; GJB6-Related DFNB 1 Nonsyndromic Hearing Loss and Deafness; Deafness, autosomal recessive 1A; Connexin 26 deafness; GJB2-Related Autosomal Recessive Nonsyndromic Hearing Loss; Nonsyndromic Hearing Loss and Deafness, DFNB1. Identifiers: Orphanet 90636, MedGen C2673759, MONDO:0009076, OMIM 220290.
Autosomal dominant nonsyndromic hearing loss 3B. Identifiers: Orphanet 90635, MedGen C2675237, MONDO:0012975, OMIM 612643.
Hidrotic ectodermal dysplasia syndrome (GJB6). Also called: ECTODERMAL DYSPLASIA 2, CLOUSTON TYPE; Ectodermal dysplasia 2, hidrotic; Autosomal dominant hidrotic ectodermal dysplasia; Clouston syndrome; Clouston's hidrotic ectodermal dysplasia; CLOUSTON HIDROTIC ECTODERMAL DYSPLASIA. Identifiers: Orphanet 189, MedGen C0162361, MONDO:0007510, OMIM 129500.
Autosomal recessive nonsyndromic hearing loss 1B. Also called: DEAFNESS, AUTOSOMAL RECESSIVE 1B. Identifiers: Orphanet 90636, MedGen C2675235, MONDO:0012977, OMIM 612645.
Ichthyosis and erythrokeratoderma.
Monogenic hearing loss.

Submissions (7):

Genetics Laboratory, Great Ormond Street Hospital NHS Foundation Trust, North Thames Genomic Laboratory Hub
Classification: Uncertain significance for Monogenic hearing loss. Last evaluated: 2026-03-31. Review status: criteria provided, single submitter. Criteria: ACGS Best Practice Guidelines for Variant Classification in Rare Disease 2024 v1.2. Collection method: clinical testing. Allele origin: germline. Affected: yes.
Comment: PVS1_strong

Genetics Laboratory, Great Ormond Street Hospital NHS Foundation Trust, North Thames Genomic Laboratory Hub
Classification: Uncertain significance for Ichthyosis and erythrokeratoderma. Last evaluated: 2025-10-07. Review status: criteria provided, single submitter. Criteria: ACGS Best Practice Guidelines for Variant Classification in Rare Disease 2024 v1.2. Collection method: clinical testing. Allele origin: germline. Affected: yes.
Comment: the same text as in the submission from Genetics Laboratory, Great Ormond Street Hospital NHS Foundation Trust, North Thames Genomic Laboratory Hub above.

Labcorp Genetics (formerly Invitae), Labcorp
Classification: Uncertain significance for Autosomal dominant nonsyndromic hearing loss 3B; Hidrotic ectodermal dysplasia syndrome; Autosomal recessive nonsyndromic hearing loss 1B; Autosomal recessive nonsyndromic hearing loss 1A. Last evaluated: 2024-12-05. Review status: criteria provided, single submitter. Criteria: Invitae Variant Classification Sherloc (09022015). Collection method: clinical testing. Allele origin: germline.
Comment: This sequence change creates a premature translational stop signal (p.Lys22Argfs*13) in the GJB6 gene. While this is not anticipated to result in nonsense mediated decay, it is expected to disrupt the last 240 amino acid(s) of the GJB6 protein. This variant is present in population databases (rs770612890, gnomAD 0.04%). This premature translational stop signal has been observed in individual(s) with clinical features of GJB6-related conditions (PMID: 16547895, 35753512). ClinVar contains an entry for this variant (Variation ID: 311382). In summary, the available evidence is currently insufficient to determine the role of this variant in disease. Therefore, it has been classified as a Variant of Uncertain Significance.

Blueprint Genetics
Classification: Uncertain significance. Last evaluated: 2024-09-10. Review status: criteria provided, single submitter. Criteria: ACMG Guidelines, 2015. Collection method: clinical testing. Allele origin: germline.

GeneDx
Classification: Uncertain significance. Last evaluated: 2021-05-07. Review status: criteria provided, single submitter. Criteria: GeneDx Variant Classification Process June 2021. Collection method: clinical testing. Allele origin: germline. Affected: yes.
Comment: Frameshift variant predicted to result in protein truncation as the last 240 amino acids are replaced with 12 different amino acids, although loss-of-function variants have not been reported downstream of this position in the protein; This variant is associated with the following publications: (PMID: 25262649, 16950989, 30245029)

Center for Pediatric Genomic Medicine, Children's Mercy Hospital and Clinics
Classification: Likely pathogenic. Last evaluated: 2017-02-10. Review status: criteria provided, single submitter. Criteria: ACMG Guidelines, 2015. Collection method: clinical testing. Allele origin: germline.

Counsyl
Classification: Likely pathogenic for Hidrotic ectodermal dysplasia syndrome. Last evaluated: 2016-07-22. Review status: no assertion criteria provided. Collection method: clinical testing. Allele origin: unknown. Not counted in ClinVar's aggregate classification.

Literature cited by the submitters: PubMed 16547895 (cited by Labcorp Genetics (formerly Invitae), Labcorp); PubMed 35753512 (cited by Labcorp Genetics (formerly Invitae), Labcorp); PubMed 25262649 (cited by Counsyl); PubMed 16950989 (cited by Counsyl).